The following is an entry in ClinVar:

NM_020921.4(NIN):c.452G>A (p.Arg151His)

Gene: NIN (ninein; minus strand). Cytogenetic location: 14q22.1.
Variant type: single nucleotide variant.
Coding change: c.452G>A on transcript NM_020921.4 (MANE Select); coding-DNA position 452, G replaced by A.
Protein change: p.Arg151His; replaces arginine 151 with histidine.
Molecular consequence: missense variant.
Genome position (GRCh38, 1-based): chr14:50,778,788, C>T on the plus strand (G>A on the coding strand, the complement: NIN is on the minus strand). VCF-style: chr14-50778788-C-T. GRCh37 (hg19) VCF-style: chr14-51245506-C-T.
Other names: c.452G>A, p.Arg151His (NM_182944.3, NM_016350.5, NM_182946.2); short protein forms R151H.
Identifiers: ClinVar variation 2887918 (VCV002887918.3), dbSNP rs190295991, ClinGen allele CA7182467.
Genomic context (GRCh38, chr14:50,778,788, plus strand): 5'-TCCCTTCCAGGCACGTCCTGACACACTCGGCTCTTACCTTCCGCTTCATACTCCTCACTG[C>T]GTTGCGTCTTCCAGTGCTAGAGAAGGCAAGAGAAGATTAGTGTGCTTTAGAACTTATTCA-3'
Protein context (NP_065972.4, residues 141-161): GDCSEHWKTQ[Arg151His]SEEYEAEGQL

ClinVar aggregate classification (germline): Uncertain significance (1 of 4 stars; one submission).

Allele frequency attached by ClinVar (database versions not stated): TOPMed 0.00006; gnomAD 0.00007; ExAC 0.00012; ESP Exome Variant Server 0.00015; 1000 Genomes Project 0.00060; 1000 Genomes Project 30x 0.00094.
gnomAD v4.1: 71 of 1,614,098 alleles (0.0044%); highest among the groups gnomAD compares: East Asian, 0.047%; no homozygotes.

Submission:

Labcorp Genetics (formerly Invitae), Labcorp
Classification: Uncertain significance. Last evaluated: 2024-07-02. Review status: criteria provided, single submitter. Criteria: Invitae Variant Classification Sherloc (09022015). Collection method: clinical testing. Allele origin: germline.
Comment: This sequence change replaces arginine, which is basic and polar, with histidine, which is basic and polar, at codon 151 of the NIN protein (p.Arg151His). This variant is present in population databases (rs190295991, gnomAD 0.1%), and has an allele count higher than expected for a pathogenic variant. This variant has not been reported in the literature in individuals affected with NIN-related conditions. Algorithms developed to predict the effect of missense changes on protein structure and function output the following: SIFT: "Not Available"; PolyPhen-2: "Benign"; Align-GVGD: "Not Available". The histidine amino acid residue is found in multiple mammalian species, which suggests that this missense change does not adversely affect protein function. In summary, the available evidence is currently insufficient to determine the role of this variant in disease. Therefore, it has been classified as a Variant of Uncertain Significance.